The following is an entry in ClinVar:

ClinVar aggregate classification (germline): Pathogenic/Likely pathogenic. Review status: criteria provided, multiple submitters, no conflicts (2 of 4 stars). 2 submissions from 2 submitters: Pathogenic (1); Likely pathogenic (1). Last evaluated 2024-12-24.

Conditions:
KIZ-related disorder. Also called: KIZ-related condition.

Allele frequency attached by ClinVar (database versions not stated): gnomAD exomes below 0.00001; gnomAD 0.00001; 1000 Genomes Project 30x 0.00016.
gnomAD v4.1: 4 of 1,493,404 alleles (0.00027%); highest among the groups gnomAD compares: South Asian, 0.0047%; no homozygotes.

Submissions (2):

Labcorp Genetics (formerly Invitae), Labcorp
Classification: Pathogenic. Last evaluated: 2024-12-24. Review status: criteria provided, single submitter. Criteria: Invitae Variant Classification Sherloc (09022015). Collection method: clinical testing. Allele origin: germline.
Comment: This sequence change creates a premature translational stop signal (p.Leu625*) in the KIZ gene. It is expected to result in an absent or disrupted protein product. Loss-of-function variants in KIZ are known to be pathogenic (PMID: 24680887, 29057815). This variant is not present in population databases (gnomAD no frequency). This variant has not been reported in the literature in individuals affected with KIZ-related conditions. ClinVar contains an entry for this variant (Variation ID: 1952480). For these reasons, this variant has been classified as Pathogenic.

Blueprint Genetics
Classification: Likely pathogenic for KIZ-related disorders. Last evaluated: 2022-07-08. Review status: criteria provided, single submitter. Criteria: ACMG Guidelines, 2015. Collection method: clinical testing. Allele origin: germline. Affected: yes. Observed: 1 variant allele.

Literature cited by the submitters: PubMed 24680887 (cited by Labcorp Genetics (formerly Invitae), Labcorp); PubMed 29057815 (cited by Labcorp Genetics (formerly Invitae), Labcorp).

NM_018474.6(KIZ):c.1874T>A (p.Leu625Ter)

Gene: KIZ (kizuna centrosomal protein; plus strand). Cytogenetic location: 20p11.23.
Variant type: single nucleotide variant.
Coding change: c.1874T>A on transcript NM_018474.6 (MANE Select); coding-DNA position 1874, T replaced by A.
Protein change: p.Leu625Ter; replaces leucine 625 with a stop codon.
Molecular consequence: nonsense.
Genome position (GRCh38, 1-based): chr20:21,232,824, T>A. VCF-style: chr20-21232824-T-A. GRCh37 (hg19) VCF-style: chr20-21213462-T-A.
Other names: c.1565T>A, p.Leu522Ter (NM_001163022.3); c.1475T>A, p.Leu492Ter (NM_001163023.3); c.1727T>A, p.Leu576Ter (NM_001276389.2); c.1820T>A, p.Leu607Ter (NM_001352434.2); c.1511T>A, p.Leu504Ter (NM_001352435.2); c.1532T>A, p.Leu511Ter (NM_001352436.2); short protein forms L492*, L522*, L607*, L576*, L625*, L504*, L511*.
Identifiers: ClinVar variation 1952480 (VCV001952480.6), dbSNP rs2123451202, ClinGen allele CA408495653.
Genomic context (GRCh38, chr20:21,232,824, plus strand): 5'-CAAAGACAGCTAACAAAATTGCTTCGGAAGCTAGTTTTTCATCTAGTGAAGGAAGTCCTT[T>A]GTCAAGGTAAAGTTGTGAAAGCCTTTCTGAATAGCAGCAACAAGATGAGAAATGTCACAG-3'